The following is an entry in ClinVar:

NM_004577.4(PSPH):c.353A>G (p.His118Arg)

Gene: PSPH (phosphoserine phosphatase; minus strand). Cytogenetic location: 7p11.2.
Variant type: single nucleotide variant.
Coding change: c.353A>G on transcript NM_004577.4 (MANE Select); coding-DNA position 353, A replaced by G.
Protein change: p.His118Arg; replaces histidine 118 with arginine.
Molecular consequence: missense variant.
Genome position (GRCh38, 1-based): chr7:56,017,302, T>C on the plus strand (A>G on the coding strand, the complement: PSPH is on the minus strand). VCF-style: chr7-56017302-T-C. GRCh37 (hg19) VCF-style: chr7-56084995-T-C.
Other names: c.353A>G (NM_004577.3); c.353A>G, p.His118Arg (NM_001370503.1, NM_001370504.1, NM_001370505.1 and 17 more transcripts); short protein forms H118R.
Identifiers: ClinVar variation 2416566 (VCV002416566.4), dbSNP rs1339587709, ClinGen allele CA367596041.
Genomic context (GRCh38, chr7:56,017,302, plus strand): 5'-TAGAATTTCAGCCTATTGGCAAATACATTGGTTGCTGGGATATTGAGCTTTGAAGCAACA[T>C]GCTCTACAATACTCCTAAAGCCACCAGATATTAGGAAAACCTGAACATTTCGCTCCTGTA-3'
Protein context (NP_004568.2, residues 108-128): ISGGFRSIVE[His118Arg]VASKLNIPAT

ClinVar aggregate classification (germline): Uncertain significance. Review status: criteria provided, multiple submitters, no conflicts (2 of 4 stars). 2 submissions from 2 submitters: Uncertain significance (2). Last evaluated 2025-12-09.

Conditions:
Deficiency of phosphoserine phosphatase (PSPHD). Also called: Phosphoserine phosphatase deficiency; PSPH deficiency. Identifiers: Orphanet 79350, MedGen C1291463, MONDO:0013531, OMIM 614023.
Inborn genetic diseases. Identifiers: MedGen C0950123, MeSH D030342.

Allele frequency attached by ClinVar (database versions not stated): TOPMed 0.00002; gnomAD exomes below 0.00001; gnomAD 0.00001.
gnomAD v4.1: 2 of 1,613,726 alleles (0.00012%); highest among the groups gnomAD compares: African/African-American, 0.0013%; no homozygotes.

Submissions (2):

Ambry Genetics
Classification: Uncertain significance for Inborn genetic diseases. Last evaluated: 2025-12-09. Review status: criteria provided, single submitter. Criteria: Ambry Variant Classification Scheme 2023. Collection method: clinical testing. Allele origin: germline.

Labcorp Genetics (formerly Invitae), Labcorp
Classification: Uncertain significance for Deficiency of phosphoserine phosphatase. Last evaluated: 2022-03-13. Review status: criteria provided, single submitter. Criteria: Invitae Variant Classification Sherloc (09022015). Collection method: clinical testing. Allele origin: germline.
Comment: This sequence change replaces histidine, which is basic and polar, with arginine, which is basic and polar, at codon 118 of the PSPH protein (p.His118Arg). This variant is not present in population databases (gnomAD no frequency). This variant has not been reported in the literature in individuals affected with PSPH-related conditions. Algorithms developed to predict the effect of missense changes on protein structure and function are either unavailable or do not agree on the potential impact of this missense change (SIFT: "Tolerated"; PolyPhen-2: "Probably Damaging"; Align-GVGD: "Class C0"). In summary, the available evidence is currently insufficient to determine the role of this variant in disease. Therefore, it has been classified as a Variant of Uncertain Significance.